The following is an entry in ClinVar:

ClinVar aggregate classification (germline): Uncertain significance. Review status: criteria provided, multiple submitters, no conflicts (2 of 4 stars). 2 submissions from 2 submitters: Uncertain significance (2). Last evaluated 2023-11-27.

Conditions:
Pitt-Hopkins-like syndrome 2 (PTHSL2). Identifiers: Orphanet 221150, Orphanet 600663, MedGen C3280479, MONDO:0013690, OMIM 614325.

Allele frequency attached by ClinVar (database versions not stated): TOPMed below 0.00001; ExAC 0.00001.
gnomAD v4.1: 2 of 1,613,236 alleles (0.00012%); highest among the groups gnomAD compares: Non-Finnish European, 0.000085%; no homozygotes.

Submissions (2):

Labcorp Genetics (formerly Invitae), Labcorp
Classification: Uncertain significance for Pitt-Hopkins-like syndrome 2. Last evaluated: 2023-11-27. Review status: criteria provided, single submitter. Criteria: Invitae Variant Classification Sherloc (09022015). Collection method: clinical testing. Allele origin: germline.
Comment: This sequence change replaces histidine, which is basic and polar, with arginine, which is basic and polar, at codon 776 of the NRXN1 protein (p.His776Arg). This variant is present in population databases (rs779465137, gnomAD 0.0009%). This variant has not been reported in the literature in individuals affected with NRXN1-related conditions. ClinVar contains an entry for this variant (Variation ID: 1706280). An algorithm developed to predict the effect of missense changes on protein structure and function (PolyPhen-2) suggests that this variant is likely to be tolerated. In summary, the available evidence is currently insufficient to determine the role of this variant in disease. Therefore, it has been classified as a Variant of Uncertain Significance.

GeneDx
Classification: Uncertain significance. Last evaluated: 2022-09-16. Review status: criteria provided, single submitter. Criteria: GeneDx Variant Classification Process June 2021. Collection method: clinical testing. Allele origin: germline. Affected: yes.
Comment: Not observed at significant frequency in large population cohorts (gnomAD); In silico analysis supports that this missense variant has a deleterious effect on protein structure/function; Has not been previously published as pathogenic or benign to our knowledge

NM_001330078.2(NRXN1):c.2207A>G (p.His736Arg)

Gene: NRXN1 (neurexin 1; minus strand). Cytogenetic location: 2p16.3.
Variant type: single nucleotide variant.
Coding change: c.2207A>G on transcript NM_001330078.2 (MANE Select); coding-DNA position 2207, A replaced by G.
Protein change: p.His736Arg; replaces histidine 736 with arginine.
Molecular consequence: missense variant.
Genome position (GRCh38, 1-based): chr2:50,531,367, T>C on the plus strand (A>G on the coding strand, the complement: NRXN1 is on the minus strand). VCF-style: chr2-50531367-T-C. GRCh37 (hg19) VCF-style: chr2-50758505-T-C.
Other names: c.2327A>G, p.His776Arg (NM_001135659.3); c.2183A>G, p.His728Arg (NM_001330077.2, NM_001330082.2, NM_001330095.2); c.2168A>G, p.His723Arg (NM_001330083.2, NM_001330084.2); c.2207A>G, p.His736Arg (NM_001330085.2, NM_001330086.2, NM_004801.6); c.2123A>G, p.His708Arg (NM_001330087.2, NM_001330096.2); c.2153A>G, p.His718Arg (NM_001330088.2); c.2204A>G, p.His735Arg (NM_001330093.2); c.2195A>G, p.His732Arg (NM_001330094.2); short protein forms H708R, H718R, H723R, H728R, H732R, H735R, H736R, H776R.
Identifiers: ClinVar variation 1706280 (VCV001706280.5), dbSNP rs779465137, ClinGen allele CA1654892.